The following is an entry in ClinVar:

NM_014423.4(AFF4):c.3108T>C (p.Tyr1036=)

Gene: AFF4 (ALF transcription elongation factor 4; minus strand). Cytogenetic location: 5q31.1.
Variant type: single nucleotide variant.
Coding change: c.3108T>C on transcript NM_014423.4 (MANE Select); coding-DNA position 3108, T replaced by C.
Protein change: p.Tyr1036=; no amino-acid change (tyrosine 1036 retained).
Molecular consequence: synonymous variant.
Genome position (GRCh38, 1-based): chr5:132,885,111, A>G on the plus strand (T>C on the coding strand, the complement: AFF4 is on the minus strand). VCF-style: chr5-132885111-A-G. GRCh37 (hg19) VCF-style: chr5-132220803-A-G.
Identifiers: ClinVar variation 3034860 (VCV003034860.4), dbSNP rs753670115, ClinGen allele CA3408737.
Genomic context (GRCh38, chr5:132,885,111, plus strand): 5'-TTTTACATAATAAAATTTTACCTACCTTCCCAAGCCAGGCGATGGTGCTTGAGAATTATT[A>G]TAAGAATTCTGTGGAAAAAGTAAAATGTACTTAACAACAACAAAAACCACCACTACTTTA-3'
Protein context (NP_055238.1, residues 1026-1046): KTLTEHLKNS[Tyr1036=]NNSQAPSPGL

ClinVar aggregate classification (germline): Likely benign. Review status: criteria provided, single submitter (1 of 4 stars). 2 submissions from 2 submitters: Likely benign (1). 1 of the submissions does not count toward it. Last evaluated 2024-10-21.

Conditions:
AFF4-related disorder. Also called: AFF4-related condition.
Cognitive impairment - coarse facies - heart defects - obesity - pulmonary involvement - short stature - skeletal dysplasia syndrome. Also called: Chops syndrome; COGNITIVE IMPAIRMENT, COARSE FACIES, HEART DEFECTS, OBESITY, PULMONARY INVOLVEMENT, SHORT STATURE, AND SKELETAL DYSPLASIA; AFF4-Related CHOPS Syndrome. Identifiers: Orphanet 444077, MedGen C4085597, MONDO:0014609, OMIM 616368.

Allele frequency attached by ClinVar (database versions not stated): TOPMed below 0.00001; ExAC 0.00001; gnomAD 0.00001; gnomAD exomes 0.00001.
gnomAD v4.1: 10 of 1,595,026 alleles (0.00063%); highest among the groups gnomAD compares: East Asian, 0.0022%; no homozygotes.

Submissions (2):

Labcorp Genetics (formerly Invitae), Labcorp
Classification: Likely benign for Cognitive impairment - coarse facies - heart defects - obesity - pulmonary involvement - short stature - skeletal dysplasia syndrome. Last evaluated: 2024-10-21. Review status: criteria provided, single submitter. Criteria: Invitae Variant Classification Sherloc (09022015). Collection method: clinical testing. Allele origin: germline.

PreventionGenetics, part of Exact Sciences
Classification: Likely benign for AFF4-related condition. Last evaluated: 2021-10-15. Review status: no assertion criteria provided. Collection method: clinical testing. Allele origin: germline. Not counted in ClinVar's aggregate classification.
Comment: This variant is classified as likely benign based on ACMG/AMP sequence variant interpretation guidelines (Richards et al. 2015 PMID: 25741868, with internal and published modifications).